The following is an entry in ClinVar:

NM_182914.3(SYNE2):c.12757C>G (p.Gln4253Glu)

Gene: SYNE2 (spectrin repeat containing nuclear envelope protein 2; plus strand). Cytogenetic location: 14q23.2.
Variant type: single nucleotide variant.
Coding change: c.12757C>G on transcript NM_182914.3 (MANE Select); coding-DNA position 12757, C replaced by G.
Protein change: p.Gln4253Glu; replaces glutamine 4253 with glutamic acid.
Molecular consequence: missense variant.
Genome position (GRCh38, 1-based): chr14:64,113,488, C>G. VCF-style: chr14-64113488-C-G. GRCh37 (hg19) VCF-style: chr14-64580206-C-G.
Other names: c.12757C>G, p.Gln4253Glu (NM_015180.6); short protein forms Q4253E.
Identifiers: ClinVar variation 2996965 (VCV002996965.3), dbSNP rs902988182, ClinGen allele CA261835672.

ClinVar aggregate classification (germline): Uncertain significance (1 of 4 stars; one submission).

Conditions:
Emery-Dreifuss muscular dystrophy 5, autosomal dominant (EDMD5). Also called: EMERY-DREIFUSS MUSCULAR DYSTROPHY 5. Identifiers: Orphanet 261, MedGen C2751805, MONDO:0013072, OMIM 612999.

Allele frequency attached by ClinVar (database versions not stated): gnomAD exomes below 0.00001; TOPMed 0.00002.
gnomAD v4.1: 1 of 1,614,116 alleles (0.000062%); highest among the groups gnomAD compares: African/African-American, 0.0013%; no homozygotes.

Submission:

Labcorp Genetics (formerly Invitae), Labcorp
Classification: Uncertain significance for Emery-Dreifuss muscular dystrophy 5, autosomal dominant. Last evaluated: 2023-01-27. Review status: criteria provided, single submitter. Criteria: Invitae Variant Classification Sherloc (09022015). Collection method: clinical testing. Allele origin: germline.
Comment: This sequence change replaces glutamine, which is neutral and polar, with glutamic acid, which is acidic and polar, at codon 4253 of the SYNE2 protein (p.Gln4253Glu). This variant is not present in population databases (gnomAD no frequency). This variant has not been reported in the literature in individuals affected with SYNE2-related conditions. Algorithms developed to predict the effect of missense changes on protein structure and function (SIFT, PolyPhen-2, Align-GVGD) all suggest that this variant is likely to be tolerated. In summary, the available evidence is currently insufficient to determine the role of this variant in disease. Therefore, it has been classified as a Variant of Uncertain Significance.